The following is an entry in ClinVar:

ClinVar aggregate classification (germline): Uncertain significance. Review status: criteria provided, multiple submitters, no conflicts (2 of 4 stars). 2 submissions from 2 submitters: Uncertain significance (2). Last evaluated 2025-02-09.

Conditions:
Left ventricular noncompaction 8 (LVNC8). Identifiers: Orphanet 154, Orphanet 54260, MedGen C3809288, MONDO:0014152, OMIM 615373.
Inborn genetic diseases. Identifiers: MedGen C0950123, MeSH D030342.

gnomAD v4.1: 11 of 1,611,790 alleles (0.00068%); highest among the groups gnomAD compares: Admixed American, 0.018%; no homozygotes.

Submissions (2):

Labcorp Genetics (formerly Invitae), Labcorp
Classification: Uncertain significance for Left ventricular noncompaction 8. Last evaluated: 2025-02-09. Review status: criteria provided, single submitter. Criteria: Invitae Variant Classification Sherloc (09022015). Collection method: clinical testing. Allele origin: germline.
Comment: This sequence change replaces proline, which is neutral and non-polar, with arginine, which is basic and polar, at codon 493 of the PRDM16 protein (p.Pro493Arg). This variant is present in population databases (rs368384353, gnomAD 0.02%). This variant has not been reported in the literature in individuals affected with PRDM16-related conditions. ClinVar contains an entry for this variant (Variation ID: 2715913). An algorithm developed to predict the effect of missense changes on protein structure and function (PolyPhen-2) suggests that this variant is likely to be tolerated. In summary, the available evidence is currently insufficient to determine the role of this variant in disease. Therefore, it has been classified as a Variant of Uncertain Significance.

Ambry Genetics
Classification: Uncertain significance for Inborn genetic diseases. Last evaluated: 2023-02-28. Review status: criteria provided, single submitter. Criteria: Ambry Variant Classification Scheme 2023. Collection method: clinical testing. Allele origin: germline.

NM_022114.4(PRDM16):c.1478C>G (p.Pro493Arg)

Gene: PRDM16 (PR/SET domain 16; plus strand). Cytogenetic location: 1p36.32.
Variant type: single nucleotide variant.
Coding change: c.1478C>G on transcript NM_022114.4 (MANE Select); coding-DNA position 1478, C replaced by G.
Protein change: p.Pro493Arg; replaces proline 493 with arginine.
Molecular consequence: missense variant.
Genome position (GRCh38, 1-based): chr1:3,411,675, C>G. VCF-style: chr1-3411675-C-G. GRCh37 (hg19) VCF-style: chr1-3328239-C-G.
Other names: c.1478C>G, p.Pro493Arg (NM_199454.3); c.1478C>G (NM_022114.3); short protein forms P493R.
Identifiers: ClinVar variation 2715913 (VCV002715913.4), dbSNP rs368384353, ClinGen allele CA544201.